The following is an entry in ClinVar:

ClinVar aggregate classification (germline): Uncertain significance (1 of 4 stars; one submission).

Submission:

GeneDx
Classification: Uncertain significance. Last evaluated: 2024-09-11. Review status: criteria provided, single submitter. Criteria: GeneDx Variant Classification Process June 2021. Collection method: clinical testing. Allele origin: germline. Affected: yes.
Comment: Not observed at significant frequency in large population cohorts (gnomAD); In silico analysis indicates that this missense variant does not alter protein structure/function; Has not been previously published as pathogenic or benign to our knowledge

NM_015100.4(POGZ):c.145G>A (p.Val49Ile)

Gene: POGZ (pogo transposable element derived with ZNF domain; minus strand). Cytogenetic location: 1q21.3.
Variant type: single nucleotide variant.
Coding change: c.145G>A on transcript NM_015100.4 (MANE Select); coding-DNA position 145, G replaced by A.
Protein change: p.Val49Ile; replaces valine 49 with isoleucine.
Molecular consequence: missense variant. On other transcripts: intron variant (2).
Genome position (GRCh38, 1-based): chr1:151,441,066, C>T on the plus strand (G>A on the coding strand, the complement: POGZ is on the minus strand). VCF-style: chr1-151441066-C-T. GRCh37 (hg19) VCF-style: chr1-151413542-C-T.
Other names: c.145G>A, p.Val49Ile (NM_001194937.2, NM_145796.4); c.166G>A, p.Val56Ile (NM_001410860.1); c.124+1015G>A (NM_001194938.2, NM_207171.2); short protein forms V49I, V56I.
Identifiers: ClinVar variation 3769938 (VCV003769938.1).
Genomic context (GRCh38, chr1:151,441,066, plus strand): 5'-TGGATGTAGAGAGGTGCCCAGCAACAGAAGCATGGGCAGCGATGGGCACTGGAGCCGAGA[C>T]TGGCTGCTGGCTCACAGAAACTGTGGGGAAGGGGAGGCATAGTCACTTGGAGACAGGGAC-3'
Protein context (NP_055915.2, residues 39-59): TTTVSVSQQP[Val49Ile]SAPVPIAAHA